The following is an entry in ClinVar:

ClinVar aggregate classification (germline): Likely benign (1 of 4 stars; one submission).

Conditions:
TNF receptor-associated periodic fever syndrome (TRAPS) (FPF). Also called: TNF Receptor-Associated Periodic Fever Syndrome; TNF receptor 1-associated periodic fever syndrome; FAMILIAL HIBERNIAN FEVER; TNF RECEPTOR-ASSOCIATED PERIODIC SYNDROME; TUMOR NECROSIS FACTOR RECEPTOR-ASSOCIATED PERIODIC SYNDROME; Autosomal Dominant Familial Periodic Fever. Identifiers: Orphanet 32960, MedGen C1275126, MONDO:0007727, OMIM 142680.

Allele frequency attached by ClinVar (database versions not stated): gnomAD 0.00003; TOPMed 0.00009; 1000 Genomes Project 30x 0.00219; 1000 Genomes Project 0.00280.
gnomAD v4.1: 793 of 1,563,738 alleles (0.051%); highest among the groups gnomAD compares: South Asian, 0.78%; 10 homozygotes.

Submission:

Illumina Laboratory Services, Illumina
Classification: Likely benign for TNF receptor-associated periodic fever syndrome (TRAPS). Last evaluated: 2018-01-12. Review status: criteria provided, single submitter. Criteria: ICSL Variant Classification Criteria 13 December 2019. Collection method: clinical testing. Allele origin: germline.
Comment: This variant was observed in the ICSL laboratory as part of a predisposition screen in an ostensibly healthy population. It had not been previously curated by ICSL or reported in the Human Gene Mutation Database (HGMD: prior to June 1st, 2018), and was therefore a candidate for classification through an automated scoring system. Utilizing variant allele frequency, disease prevalence and penetrance estimates, and inheritance mode, an automated score was calculated to assess if this variant is too frequent to cause the disease. Based on the score and internal cut-off values, a variant classified as likely benign is not then subjected to further curation. The score for this variant resulted in a classification of likely benign for this disease.

NM_001065.4(TNFRSF1A):c.-74G>A

Genes: TNFRSF1A (TNF receptor superfamily member 1A; minus strand), LOC130007233 (ATAC-STARR-seq lymphoblastoid active region 5850; plus strand). Cytogenetic location: 12p13.31.
Variant type: single nucleotide variant.
Coding change: c.-74G>A on transcript NM_001065.4 (MANE Select); 74 bases upstream of the start codon, G replaced by A.
Molecular consequence: 5 prime UTR variant. On other transcripts: non-coding transcript variant (1).
Genome position (GRCh38, 1-based): chr12:6,341,888, C>T on the plus strand (G>A on the coding strand, the complement: TNFRSF1A is on the minus strand). VCF-style: chr12-6341888-C-T. GRCh37 (hg19) VCF-style: chr12-6451054-C-T.
Other names: c.-244G>A (NM_001346091.2); c.-651G>A (NM_001346092.2).
Identifiers: ClinVar variation 310113 (VCV000310113.8), dbSNP rs200084924, ClinGen allele CA10643123.